The following is an entry in ClinVar:

ClinVar aggregate classification (germline): Uncertain significance. Review status: criteria provided, multiple submitters, no conflicts (2 of 4 stars). 2 submissions from 2 submitters: Uncertain significance (2). Last evaluated 2025-07-08.

Allele frequency attached by ClinVar (database versions not stated): gnomAD exomes 0.00001; 1000 Genomes Project 30x 0.00031.

Submissions (2):

GeneDx
Classification: Uncertain significance. Last evaluated: 2025-07-08. Review status: criteria provided, single submitter. Criteria: GeneDx Variant Classification Process June 2021. Collection method: clinical testing. Allele origin: germline. Affected: yes.
Comment: Has not been previously published as pathogenic or benign to our knowledge; In silico analysis suggests that this missense variant does not alter protein structure/function

Labcorp Genetics (formerly Invitae), Labcorp
Classification: Uncertain significance. Last evaluated: 2023-09-05. Review status: criteria provided, single submitter. Criteria: Invitae Variant Classification Sherloc (09022015). Collection method: clinical testing. Allele origin: germline.
Comment: An algorithm developed to predict the effect of missense changes on protein structure and function (PolyPhen-2) suggests that this variant is likely to be disruptive. This sequence change replaces aspartic acid, which is acidic and polar, with asparagine, which is neutral and polar, at codon 13 of the SOX18 protein (p.Asp13Asn). The frequency data for this variant in the population databases is considered unreliable, as metrics indicate poor data quality at this position in the gnomAD database. This variant has not been reported in the literature in individuals affected with SOX18-related conditions. In summary, the available evidence is currently insufficient to determine the role of this variant in disease. Therefore, it has been classified as a Variant of Uncertain Significance.

NM_018419.3(SOX18):c.37G>A (p.Asp13Asn)

Gene: SOX18 (SRY-box transcription factor 18; minus strand). Cytogenetic location: 20q13.33.
Variant type: single nucleotide variant.
Coding change: c.37G>A on transcript NM_018419.3 (MANE Select); coding-DNA position 37, G replaced by A.
Protein change: p.Asp13Asn; replaces aspartic acid 13 with asparagine.
Molecular consequence: missense variant.
Genome position (GRCh38, 1-based): chr20:64,049,480, C>T on the plus strand (G>A on the coding strand, the complement: SOX18 is on the minus strand). VCF-style: chr20-64049480-C-T. GRCh37 (hg19) VCF-style: chr20-62680833-C-T.
Other names: c.37G>A (NM_018419.2); short protein forms D13N.
Identifiers: ClinVar variation 2739290 (VCV002739290.4), dbSNP rs941698739, ClinGen allele CA317564542.